The following is an entry in ClinVar:

ClinVar aggregate classification (germline): Uncertain significance. Review status: criteria provided, multiple submitters, no conflicts (2 of 4 stars). 2 submissions from 2 submitters: Uncertain significance (2). Last evaluated 2025-06-03.

Conditions:
Inborn genetic diseases. Identifiers: MedGen C0950123, MeSH D030342.

gnomAD v4.1: 25 of 1,613,888 alleles (0.0015%); highest among the groups gnomAD compares: Non-Finnish European, 0.0019%; no homozygotes.

Submissions (2):

Revvity Omics, Revvity
Classification: Uncertain significance. Last evaluated: 2025-06-03. Review status: criteria provided, single submitter. Criteria: ACMG Guidelines, 2015. Collection method: clinical testing. Allele origin: germline.

Ambry Genetics
Classification: Uncertain significance for Inborn genetic diseases. Last evaluated: 2025-05-03. Review status: criteria provided, single submitter. Criteria: Ambry Variant Classification Scheme 2023. Collection method: clinical testing. Allele origin: germline.
Comment: The p.T1120I variant (also known as c.3359C>T), located in coding exon 13 of the F5 gene, results from a C to T substitution at nucleotide position 3359. The threonine at codon 1120 is replaced by isoleucine, an amino acid with similar properties. This amino acid position is conserved. In addition, this alteration is predicted to be tolerated by in silico analysis. Based on the available evidence, the clinical significance of this variant remains unclear.

NM_000130.5(F5):c.3359C>T (p.Thr1120Ile)

Gene: F5 (coagulation factor V; minus strand). Cytogenetic location: 1q24.2.
Variant type: single nucleotide variant.
Coding change: c.3359C>T on transcript NM_000130.5 (MANE Select); coding-DNA position 3359, C replaced by T.
Protein change: p.Thr1120Ile; replaces threonine 1120 with isoleucine.
Molecular consequence: missense variant.
Genome position (GRCh38, 1-based): chr1:169,541,731, G>A on the plus strand (C>T on the coding strand, the complement: F5 is on the minus strand). VCF-style: chr1-169541731-G-A. GRCh37 (hg19) VCF-style: chr1-169510969-G-A.
Other names: short protein forms T1120I.
Identifiers: ClinVar variation 4020744 (VCV004020744.2).
Genomic context (GRCh38, chr1:169,541,731, plus strand): 5'-GAGTGCATTTGATCAGGGTCTTGAATGGGGAATGTTTGATAGTGTTCCTCTGGGGGCACT[G>A]TCTGATAAAGACCTGGAGGACAGCTTGCCTGACCAGTGTCATTTGAGGAATTCTGATTAT-3'
Protein context (NP_000121.2, residues 1110-1130): QASCPPGLYQ[Thr1120Ile]VPPEEHYQTF